The following is an entry in ClinVar:

NM_000256.3(MYBPC3):c.1880C>T (p.Ala627Val)

Gene: MYBPC3 (myosin binding protein C3; minus strand). Cytogenetic location: 11p11.2.
Variant type: single nucleotide variant.
Coding change: c.1880C>T on transcript NM_000256.3 (MANE Select); coding-DNA position 1880, C replaced by T.
Protein change: p.Ala627Val; replaces alanine 627 with valine.
Molecular consequence: missense variant.
Genome position (GRCh38, 1-based): chr11:47,341,155, G>A on the plus strand (C>T on the coding strand, the complement: MYBPC3 is on the minus strand). VCF-style: chr11-47341155-G-A. GRCh37 (hg19) VCF-style: chr11-47362706-G-A.
Other names: short protein forms A627V.
Identifiers: ClinVar variation 1406651 (VCV001406651.7), dbSNP rs1352376969, ClinGen allele CA380323669.

ClinVar aggregate classification (germline): Uncertain significance. Review status: criteria provided, multiple submitters, no conflicts (2 of 4 stars). 2 submissions from 2 submitters: Uncertain significance (2). Last evaluated 2024-01-20.

Conditions:
Hypertrophic cardiomyopathy. Also called: HYPERTROPHIC MYOCARDIOPATHY. Identifiers: Orphanet 217569, MedGen C0007194, MeSH D002312, MONDO:0005045, HP:0001639.

Submissions (2):

GeneDx
Classification: Uncertain significance. Last evaluated: 2024-01-20. Review status: criteria provided, single submitter. Criteria: GeneDx Variant Classification Process June 2021. Collection method: clinical testing. Allele origin: germline. Affected: yes.
Comment: Identified in the apparent homozygous state in a patient with HCM (PMID: 16004897); this variant was identified in an affected sister; Not observed at significant frequency in large population cohorts (gnomAD); A published functional study suggests the p.(A627V) variant results in no effect on structure and stability of cMyBP-C domains (PMID: 34097875); In silico analysis supports that this missense variant has a deleterious effect on protein structure/function; This variant is associated with the following publications: (PMID: 28420666, 25335496, 34097875, 16004897)

Labcorp Genetics (formerly Invitae), Labcorp
Classification: Uncertain significance for Hypertrophic cardiomyopathy. Last evaluated: 2023-09-05. Review status: criteria provided, single submitter. Criteria: Invitae Variant Classification Sherloc (09022015). Collection method: clinical testing. Allele origin: germline.
Comment: This missense change has been observed in individuals with hypertrophic cardiomyopathy (PMID: 16004897; Invitae). This variant is not present in population databases (gnomAD no frequency). This sequence change replaces alanine, which is neutral and non-polar, with valine, which is neutral and non-polar, at codon 627 of the MYBPC3 protein (p.Ala627Val). ClinVar contains an entry for this variant (Variation ID: 1406651). In summary, the available evidence is currently insufficient to determine the role of this variant in disease. Therefore, it has been classified as a Variant of Uncertain Significance. An algorithm developed to predict the effect of missense changes on protein structure and function (PolyPhen-2) suggests that this variant is likely to be disruptive.

Literature cited by the submitters: PubMed 16004897 (cited by Labcorp Genetics (formerly Invitae), Labcorp).